The following is an entry in ClinVar:

ClinVar aggregate classification (germline): Pathogenic/Likely pathogenic. Review status: criteria provided, multiple submitters, no conflicts (2 of 4 stars). 3 submissions from 3 submitters: Pathogenic (1); Likely pathogenic (1). 1 of the submissions does not count toward it. Last evaluated 2024-09-30.

Conditions:
Spastic paraplegia. Identifiers: MedGen C0037772, HP:0001258.
Charlevoix-Saguenay spastic ataxia (SACS). Also called: Spastic ataxia of Charlevoix-Saguenay; SPASTIC ATAXIA 6, AUTOSOMAL RECESSIVE; AUTOSOMAL RECESSIVE SPASTIC ATAXIA OF CHARLEVOIX-SAGUENAY. Identifiers: Orphanet 98, MedGen C1849140, MONDO:0010041, OMIM 270550.

Submissions (3):

Natera, Inc.
Classification: Likely pathogenic for Charlevoix-Saguenay type spastic ataxia. Last evaluated: 2024-09-30. Review status: criteria provided, single submitter. Criteria: Natera Variant Classification Schema (03/2026). Collection method: clinical testing. Allele origin: germline.
Comment: The c.6757dupA variant in SACS is a frameshift variant predicted to shift the reading frame beginning at codon 2253 and leads to a stop codon 11 codons downstream. This variant is expected to result in nonsense mediated decay, truncation, or a dysfunctional protein product. This variant is rare in the general population with a frequency below the threshold expected for the associated phenotype(s). This variant has been observed in one or more individuals affected with the associated recessive disease, as either homozygous or compound heterozygous with a second variant (PMID: 35499206). Given the available evidence, this variant is classified as Likely Pathogenic.

Labcorp Genetics (formerly Invitae), Labcorp
Classification: Pathogenic for Spastic paraplegia. Last evaluated: 2024-01-08. Review status: criteria provided, single submitter. Criteria: Invitae Variant Classification Sherloc (09022015). Collection method: clinical testing. Allele origin: germline.
Comment: This sequence change creates a premature translational stop signal (p.Ile2253Asnfs*11) in the SACS gene. While this is not anticipated to result in nonsense mediated decay, it is expected to disrupt the last 2327 amino acid(s) of the SACS protein. This variant is not present in population databases (gnomAD no frequency). This premature translational stop signal has been observed in individual(s) with hereditary spastic paraplegia (PMID: 35499206). ClinVar contains an entry for this variant (Variation ID: 371002). This variant disrupts a region of the SACS protein in which other variant(s) ( p.Asn4549Asp) have been determined to be pathogenic (PMID: 15156359, 21507954). This suggests that this is a clinically significant region of the protein, and that variants that disrupt it are likely to be disease-causing. For these reasons, this variant has been classified as Pathogenic.

Counsyl
Classification: Likely pathogenic for Charlevoix-Saguenay spastic ataxia. Last evaluated: 2016-06-01. Review status: no assertion criteria provided. Collection method: clinical testing. Allele origin: unknown. Not counted in ClinVar's aggregate classification.

Literature cited by the submitters: PubMed 35499206 (cited by Natera, Inc. and Labcorp Genetics (formerly Invitae), Labcorp); PubMed 15156359 (cited by Labcorp Genetics (formerly Invitae), Labcorp); PubMed 21507954 (cited by Labcorp Genetics (formerly Invitae), Labcorp).

NM_014363.6(SACS):c.6757dup (p.Ile2253fs)

Gene: SACS (sacsin molecular chaperone; minus strand). Cytogenetic location: 13q12.12.
Variant type: Duplication.
Coding change: c.6757dup on transcript NM_014363.6 (MANE Select); coding-DNA position 6757, one base duplicated (A; older notation c.6757dupA).
Protein change: p.Ile2253fs; shifts the reading frame from isoleucine 2253.
Molecular consequence: frameshift variant.
Genome position (GRCh38, 1-based): chr13:23,337,119, T duplicated on the plus strand (A on the coding strand, the reverse complement: SACS is on the minus strand). VCF-style (leftmost placement, unchanged base first): chr13-23337118-A-AT. GRCh37 (hg19) VCF-style: chr13-23911257-A-AT.
Other names: c.6316dup, p.Ile2106fs (NM_001278055.2); c.6757dupA (NM_014363.5); short protein forms I2106fs, I2253fs.
Identifiers: ClinVar variation 371002 (VCV000371002.7), dbSNP rs1057516932, ClinGen allele CA16041625.